The following is an entry in ClinVar:

ClinVar aggregate classification (germline): Uncertain significance (1 of 4 stars; one submission).

Conditions:
Developmental and epileptic encephalopathy, 36 (DEE36). Also called: Congenital disorder of glycosylation, type Is; ALG13-CDG; Epileptic encephalopathy, early infantile, 36. Identifiers: Orphanet 324422, MedGen C4317295, MONDO:0010472, OMIM 300884.

Submission:

Labcorp Genetics (formerly Invitae), Labcorp
Classification: Uncertain significance for Developmental and epileptic encephalopathy, 36. Last evaluated: 2024-12-03. Review status: criteria provided, single submitter. Criteria: Invitae Variant Classification Sherloc (09022015). Collection method: clinical testing. Allele origin: germline.
Comment: This sequence change replaces proline, which is neutral and non-polar, with alanine, which is neutral and non-polar, at codon 860 of the ALG13 protein (p.Pro860Ala). This variant is not present in population databases (gnomAD no frequency). This variant has not been reported in the literature in individuals affected with ALG13-related conditions. ClinVar contains an entry for this variant (Variation ID: 1375364). Invitae Evidence Modeling of protein sequence and biophysical properties (such as structural, functional, and spatial information, amino acid conservation, physicochemical variation, residue mobility, and thermodynamic stability) indicates that this missense variant is not expected to disrupt ALG13 protein function with a negative predictive value of 95%. In summary, the available evidence is currently insufficient to determine the role of this variant in disease. Therefore, it has been classified as a Variant of Uncertain Significance.

NM_001099922.3(ALG13):c.2578C>G (p.Pro860Ala)

Gene: ALG13 (ALG13 UDP-N-acetylglucosaminyltransferase subunit; plus strand). Cytogenetic location: Xq23.
Variant type: single nucleotide variant.
Coding change: c.2578C>G on transcript NM_001099922.3 (MANE Select); coding-DNA position 2578, C replaced by G.
Protein change: p.Pro860Ala; replaces proline 860 with alanine.
Molecular consequence: missense variant. On other transcripts: non-coding transcript variant (1).
Genome position (GRCh38, 1-based): chrX:111,736,762, C>G. VCF-style: chrX-111736762-C-G. GRCh37 (hg19) VCF-style: chrX-110979990-C-G.
Other names: c.2266C>G, p.Pro756Ala (NM_001257230.2, NM_001257234.2, NM_001257237.2); c.2344C>G, p.Pro782Ala (NM_001257231.2); c.2578C>G, p.Pro860Ala (NM_001324292.2); c.2092C>G, p.Pro698Ala (NM_001324293.1); short protein forms P756A, P782A, P860A, P698A.
Identifiers: ClinVar variation 1375364 (VCV001375364.6), dbSNP rs2148331392, ClinGen allele CA414254401.